The following is an entry in ClinVar:

ClinVar aggregate classification (germline): Benign/Likely benign. Review status: criteria provided, multiple submitters, no conflicts (2 of 4 stars). 4 submissions from 4 submitters: Benign (1); Likely benign (3). Last evaluated 2026-01-25.

Conditions:
Pyruvate dehydrogenase E3 deficiency (DLDD). Also called: Dihydrolipoamide Dehydrogenase E3 Deficiency; DLD DEFICIENCY; E3 DEFICIENCY; MAPLE SYRUP URINE DISEASE, TYPE III; Lipoamide dehydrogenase deficiency, lactic acidosis due to; Lipoamide dehydrogenase deficiency. Identifiers: Orphanet 2394, Orphanet 765, MedGen C5574660, MONDO:0009529, OMIM 246900.
DLD-related disorder. Also called: DLD-related condition; DLD-related disorders.

Allele frequency attached by ClinVar (database versions not stated): gnomAD exomes 0.00008 and 0.00027; TOPMed 0.00013; gnomAD 0.00014 and 0.00021; ExAC 0.00021; 1000 Genomes Project 30x 0.00141; 1000 Genomes Project 0.00160.

Submissions (4):

Labcorp Genetics (formerly Invitae), Labcorp
Classification: Benign for Pyruvate dehydrogenase E3 deficiency. Last evaluated: 2026-01-25. Review status: criteria provided, single submitter. Criteria: Invitae Variant Classification Sherloc (09022015). Collection method: clinical testing. Allele origin: germline.

CeGaT Center for Human Genetics Tuebingen
Classification: Likely benign. Last evaluated: 2025-11-01. Review status: criteria provided, single submitter. Criteria: CeGaT Center For Human Genetics Tuebingen Variant Classification Criteria Version 2. Collection method: clinical testing. Allele origin: germline. Affected: yes. Observed: 1 variant allele.
Comment: DLD: BP4, BP7

PreventionGenetics, part of Exact Sciences
Classification: Likely benign for DLD-related condition. Last evaluated: 2025-06-18. Review status: criteria provided, single submitter. Criteria: ACMG Guidelines, 2015. Collection method: clinical testing. Allele origin: germline.
Comment: This variant is classified as likely benign based on ACMG/AMP sequence variant interpretation guidelines (Richards et al. 2015 PMID: 25741868, with internal and published modifications).

GeneDx
Classification: Likely benign. Last evaluated: 2016-12-15. Review status: criteria provided, single submitter. Criteria: GeneDx Variant Classification (06012015). Collection method: clinical testing. Allele origin: germline. Affected: yes.
Comment: This variant is considered likely benign or benign based on one or more of the following criteria: it is a conservative change, it occurs at a poorly conserved position in the protein, it is predicted to be benign by multiple in silico algorithms, and/or has population frequency not consistent with disease.

NM_000108.5(DLD):c.1395T>C (p.Asn465=)

Gene: DLD (dihydrolipoamide dehydrogenase; plus strand). Cytogenetic location: 7q31.1.
Variant type: single nucleotide variant.
Coding change: c.1395T>C on transcript NM_000108.5 (MANE Select); coding-DNA position 1395, T replaced by C.
Protein change: p.Asn465=; no amino-acid change (asparagine 465 retained).
Molecular consequence: synonymous variant.
Genome position (GRCh38, 1-based): chr7:107,919,030, T>C. VCF-style: chr7-107919030-T-C. GRCh37 (hg19) VCF-style: chr7-107559475-T-C.
Other names: c.1098T>C, p.Asn366= (NM_001289750.1); c.1326T>C, p.Asn442= (NM_001289751.1); c.1251T>C, p.Asn417= (NM_001289752.1).
Identifiers: ClinVar variation 391374 (VCV000391374.19), dbSNP rs76313180, ClinGen allele CA4434700.